The following is an entry in ClinVar:

ClinVar aggregate classification (germline): Uncertain significance (1 of 4 stars; one submission).

Submission:

GeneDx
Classification: Uncertain significance. Last evaluated: 2025-07-11. Review status: criteria provided, single submitter. Criteria: GeneDx Variant Classification Process June 2021. Collection method: clinical testing. Allele origin: germline.
Comment: Not observed at significant frequency in large population cohorts (gnomAD); In silico analysis supports that this missense variant has a deleterious effect on protein structure/function; Has not been previously published as pathogenic or benign to our knowledge; This variant is associated with the following publications: (PMID: 26986877)

NM_005654.6(NR2F1):c.898C>T (p.Arg300Cys)

Gene: NR2F1 (nuclear receptor subfamily 2 group F member 1; plus strand). Cytogenetic location: 5q15.
Variant type: single nucleotide variant.
Coding change: c.898C>T on transcript NM_005654.6 (MANE Select); coding-DNA position 898, C replaced by T.
Protein change: p.Arg300Cys; replaces arginine 300 with cysteine.
Molecular consequence: missense variant.
Genome position (GRCh38, 1-based): chr5:93,588,351, C>T. VCF-style: chr5-93588351-C-T. GRCh37 (hg19) VCF-style: chr5-92924057-C-T.
Other names: c.448C>T, p.Arg150Cys (NM_001410754.1); short protein forms R150C, R300C.
Identifiers: ClinVar variation 3776531 (VCV003776531.2).
Genomic context (GRCh38, chr5:93,588,351, plus strand): 5'-GCCGGCCTGCATGCCTCGCCCATGTCTGCCGACCGCGTCGTGGCCTTCATGGACCACATC[C>T]GCATCTTCCAGGAGCAGGTGGAGAAGCTCAAGGCGCTACACGTCGACTCAGCCGAGTACA-3'
Protein context (NP_005645.1, residues 290-310): DRVVAFMDHI[Arg300Cys]IFQEQVEKLK